The following is an entry in ClinVar:

ClinVar aggregate classification (germline): Pathogenic (1 of 4 stars; one submission).

Conditions:
Arrhythmogenic right ventricular dysplasia 8 (ARVD8). Also called: ARRHYTHMOGENIC RIGHT VENTRICULAR CARDIOMYOPATHY 8; Arrhythmogenic Right Ventricular Dysplasia/Cardiomyopathy 8; ARRHYTHMOGENIC RIGHT VENTRICULAR DYSPLASIA, FAMILIAL, 8. Identifiers: MedGen C1843896, MONDO:0011831, OMIM 607450.
Arrhythmogenic cardiomyopathy with wooly hair and keratoderma. Also called: Arrhythmogenic cardiomyopathy with woolly hair and keratoderma; PALMOPLANTAR KERATODERMA WITH LEFT VENTRICULAR CARDIOMYOPATHY AND WOOLLY HAIR; Carvajal syndrome; Dilated cardiomyopathy with woolly hair and keratoderma. Identifiers: Orphanet 65282, MedGen C1854063, MONDO:0011581, OMIM 605676.

Submission:

Labcorp Genetics (formerly Invitae), Labcorp
Classification: Pathogenic for Arrhythmogenic cardiomyopathy with wooly hair and keratoderma; Arrhythmogenic right ventricular dysplasia 8. Last evaluated: 2022-09-22. Review status: criteria provided, single submitter. Criteria: Invitae Variant Classification Sherloc (09022015). Collection method: clinical testing. Allele origin: germline.
Comment: This sequence change creates a premature translational stop signal (p.Lys1498Asnfs*28) in the DSP gene. It is expected to result in an absent or disrupted protein product. Loss-of-function variants in DSP are known to be pathogenic (PMID: 20716751, 24503780, 25227139). For these reasons, this variant has been classified as Pathogenic. This variant has not been reported in the literature in individuals affected with DSP-related conditions. This variant is not present in population databases (gnomAD no frequency).

Literature cited by the submitters: PubMed 20716751; PubMed 24503780; PubMed 25227139.

NM_004415.4(DSP):c.4491del (p.Lys1498fs)

Gene: DSP (desmoplakin; plus strand). Cytogenetic location: 6p24.3.
Variant type: Deletion.
Coding change: c.4491del on transcript NM_004415.4 (MANE Select); coding-DNA position 4491, one base deleted (G; older notation c.4491delG).
Protein change: p.Lys1498fs; shifts the reading frame from lysine 1498.
Molecular consequence: frameshift variant. On other transcripts: intron variant (2).
Genome position (GRCh38, 1-based): chr6:7,580,681, G deleted; the last of 2 consecutive G bases (chr6:7,580,680-7,580,681); deleting either gives the same sequence. VCF-style (leftmost placement, unchanged base first): chr6-7580679-CG-C. GRCh37 (hg19) VCF-style: chr6-7580912-CG-C.
Other names: c.4050+441del (NM_001319034.2); c.3582+909del (NM_001008844.3); short protein forms K1498fs.
Identifiers: ClinVar variation 2031902 (VCV002031902.4), dbSNP rs2533928936, ClinGen allele CA2580075372.